The following is an entry in ClinVar:

ClinVar aggregate classification (germline): Uncertain significance (1 of 4 stars; one submission).

Submission:

GeneDx
Classification: Uncertain significance. Last evaluated: 2022-05-20. Review status: criteria provided, single submitter. Criteria: GeneDx Variant Classification Process June 2021. Collection method: clinical testing. Allele origin: germline. Affected: yes.
Comment: Not observed at significant frequency in large population cohorts (gnomAD); In silico analysis supports that this missense variant does not alter protein structure/function; Has not been previously published as pathogenic or benign to our knowledge

NM_152703.5(SAMD9L):c.4045C>A (p.Pro1349Thr)

Gene: SAMD9L (sterile alpha motif domain containing 9 like; minus strand). Cytogenetic location: 7q21.2.
Variant type: single nucleotide variant.
Coding change: c.4045C>A on transcript NM_152703.5 (MANE Select); coding-DNA position 4045, C replaced by A.
Protein change: p.Pro1349Thr; replaces proline 1349 with threonine.
Molecular consequence: missense variant.
Genome position (GRCh38, 1-based): chr7:93,131,927, G>T on the plus strand (C>A on the coding strand, the complement: SAMD9L is on the minus strand). VCF-style: chr7-93131927-G-T. GRCh37 (hg19) VCF-style: chr7-92761240-G-T.
Other names: c.4045C>A, p.Pro1349Thr (NM_001303496.3, NM_001303497.3, NM_001303498.3 and 5 more transcripts); short protein forms P1349T.
Identifiers: ClinVar variation 1800618 (VCV001800618.1), dbSNP rs2535406808, ClinGen allele CA368177822.
Genomic context (GRCh38, chr7:93,131,927, plus strand): 5'-GCAGTAGGAAGGCATATTCATTCACTATACTTTCCATGGTGGTAGCATCTTTGTAGTTTG[G>T]ATTAAGATATTCCAAGAGTCCAGCAAACCTATCTGCTCTCAGAGCTTCTAGCTTTTTCCT-3'
Protein context (NP_689916.2, residues 1339-1359): RFAGLLEYLN[Pro1349Thr]NYKDATTMES